The following is an entry in ClinVar:

ClinVar aggregate classification (germline): Uncertain significance. Review status: criteria provided, multiple submitters, no conflicts (2 of 4 stars). 4 submissions from 4 submitters: Uncertain significance (3). 1 of the submissions does not count toward it. Last evaluated 2025-11-06.

Conditions:
Autosomal recessive limb-girdle muscular dystrophy type 2C (LGMDR5). Also called: MUSCULAR DYSTROPHY, DUCHENNE-LIKE; MUSCULAR DYSTROPHY, LIMB-GIRDLE, AUTOSOMAL RECESSIVE 5. Identifiers: Orphanet 353, MedGen C0410173, MONDO:0009677, OMIM 253700. Disease mechanism: Affects gamma-sarcoglycan and also disrupts the integrity of the entire sarcoglycan complex..
Inborn genetic diseases. Identifiers: MedGen C0950123, MeSH D030342.

Allele frequency attached by ClinVar (database versions not stated): gnomAD 0.00001; gnomAD exomes 0.00001 and 0.00006; TOPMed 0.00002; ExAC 0.00005.
gnomAD v4.1: 24 of 1,613,436 alleles (0.0015%); highest among the groups gnomAD compares: Admixed American, 0.033%; no homozygotes.

Submissions (4):

Myriad Genetics, Inc.
Classification: Uncertain significance for Autosomal recessive limb-girdle muscular dystrophy type 2C. Last evaluated: 2025-11-06. Review status: criteria provided, single submitter. Criteria: Myriad Autosomal Dominant, Autosomal Recessive and X-Linked Classification Criteria (2023). Collection method: clinical testing. Allele origin: unknown.
Comment: NM_000231.2(SGCG):c.22A>G(T8A) is a missense variant classified as a variant of uncertain significance in the context of gamma-sarcoglycanopathy. T8A has been observed in a case with relevant disease (PMID: 39678382). Relevant functional assessments of this variant are not available in the literature. T8A has been observed in referenced population frequency databases. In summary, there is insufficient evidence to classify NM_000231.2(SGCG):c.22A>G(T8A) as pathogenic or benign. Please note: this variant was assessed in the context of healthy population screening.

Labcorp Genetics (formerly Invitae), Labcorp
Classification: Uncertain significance for Autosomal recessive limb-girdle muscular dystrophy type 2C. Last evaluated: 2022-09-01. Review status: criteria provided, single submitter. Criteria: Invitae Variant Classification Sherloc (09022015). Collection method: clinical testing. Allele origin: germline.
Comment: This sequence change replaces threonine, which is neutral and polar, with alanine, which is neutral and non-polar, at codon 8 of the SGCG protein (p.Thr8Ala). This variant is present in population databases (rs771657671, gnomAD 0.04%). This variant has not been reported in the literature in individuals affected with SGCG-related conditions. ClinVar contains an entry for this variant (Variation ID: 530808). Algorithms developed to predict the effect of missense changes on protein structure and function output the following: SIFT: "Tolerated"; PolyPhen-2: "Benign"; Align-GVGD: "Class C0". The alanine amino acid residue is found in multiple mammalian species, which suggests that this missense change does not adversely affect protein function. In summary, the available evidence is currently insufficient to determine the role of this variant in disease. Therefore, it has been classified as a Variant of Uncertain Significance.

Ambry Genetics
Classification: Uncertain significance for Inborn genetic diseases. Last evaluated: 2021-08-28. Review status: criteria provided, single submitter. Criteria: Ambry Variant Classification Scheme 2023. Collection method: clinical testing. Allele origin: germline.

Natera, Inc.
Classification: Uncertain significance for Limb-girdle muscular dystrophy type 2C. Last evaluated: 2019-11-11. Review status: no assertion criteria provided. Collection method: clinical testing. Allele origin: germline. Not counted in ClinVar's aggregate classification.

Literature cited by the submitters: PubMed 39678382 (cited by Myriad Genetics, Inc.).

NM_000231.3(SGCG):c.22A>G (p.Thr8Ala)

Gene: SGCG (sarcoglycan gamma; plus strand). Cytogenetic location: 13q12.12.
Variant type: single nucleotide variant.
Coding change: c.22A>G on transcript NM_000231.3 (MANE Select); coding-DNA position 22, A replaced by G.
Protein change: p.Thr8Ala; replaces threonine 8 with alanine.
Molecular consequence: missense variant.
Genome position (GRCh38, 1-based): chr13:23,203,716, A>G. VCF-style: chr13-23203716-A-G. GRCh37 (hg19) VCF-style: chr13-23777855-A-G.
Other names: c.76A>G, p.Thr26Ala (NM_001378244.1); c.22A>G, p.Thr8Ala (NM_001378245.1, NM_001378246.1); short protein forms T8A, T26A.
Identifiers: ClinVar variation 530808 (VCV000530808.11), dbSNP rs771657671, ClinGen allele CA6909552.